The following is an entry in ClinVar:

ClinVar aggregate classification (germline): Uncertain significance. Review status: criteria provided, multiple submitters, no conflicts (2 of 4 stars). 2 submissions from 2 submitters: Uncertain significance (2). Last evaluated 2025-02-26.

Conditions:
Cardiovascular phenotype. Identifiers: MedGen CN230736.
Long QT syndrome (LQTS). Identifiers: MedGen C0023976, MeSH D008133, MONDO:0002442. Disease mechanism: loss of function. Inheritance: Various modes of inheritance.

Allele frequency attached by ClinVar (database versions not stated): gnomAD exomes below 0.00001; TOPMed 0.00001; gnomAD 0.00002.
gnomAD v4.1: 6 of 1,599,500 alleles (0.00038%); highest among the groups gnomAD compares: Admixed American, 0.0017%; no homozygotes.

Submissions (2):

Ambry Genetics
Classification: Uncertain significance for Cardiovascular phenotype. Last evaluated: 2025-02-26. Review status: criteria provided, single submitter. Criteria: Ambry Variant Classification Scheme 2023. Collection method: clinical testing. Allele origin: germline.
Comment: The c.11687-2A>G intronic variant results from an A to G substitution two nucleotides before coding exon 50 of the AKAP9 gene. This nucleotide position is highly conserved in available vertebrate species. In silico splice site analysis predicts that this alteration will weaken the native splice acceptor site. Alterations that disrupt the canonical splice site are expected to cause aberrant splicing, resulting in an abnormal protein or a transcript that is subject to nonsense-mediated mRNA decay. However, loss of function of AKAP9 has not been clearly established as a mechanism of disease. Additionally, the evidence for this gene-disease relationship is limited; therefore, the clinical significance of this alteration is unclear.

Labcorp Genetics (formerly Invitae), Labcorp
Classification: Uncertain significance for Long QT syndrome. Last evaluated: 2021-04-16. Review status: criteria provided, single submitter. Criteria: Invitae Variant Classification Sherloc (09022015). Collection method: clinical testing. Allele origin: germline.
Comment: This variant is not present in population databases (ExAC no frequency). In summary, the available evidence is currently insufficient to determine the role of this variant in disease. Therefore, it has been classified as a Variant of Uncertain Significance. Nucleotide substitutions within the consensus splice site are a relatively common cause of aberrant splicing (PMID: 17576681, 9536098). Algorithms developed to predict the effect of sequence changes on RNA splicing suggest that this variant may disrupt the consensus splice site, but this prediction has not been confirmed by published transcriptional studies. This variant has not been reported in the literature in individuals with AKAP9-related conditions. This sequence change falls in intron 49 of the AKAP9 gene. It does not directly change the encoded amino acid sequence of the AKAP9 protein. It affects a nucleotide within the consensus splice site of the intron.

Literature cited by the submitters: PubMed 17576681 (cited by Labcorp Genetics (formerly Invitae), Labcorp); PubMed 9536098 (cited by Labcorp Genetics (formerly Invitae), Labcorp).

NM_005751.5(AKAP9):c.11687-2A>G

Gene: AKAP9 (A-kinase anchoring protein 9; plus strand). Cytogenetic location: 7q21.2.
Variant type: single nucleotide variant.
Coding change: c.11687-2A>G on transcript NM_005751.5 (MANE Select); the canonical splice acceptor site of the intron before coding-DNA position 11687, A replaced by G.
Molecular consequence: splice acceptor variant.
Genome position (GRCh38, 1-based): chr7:92,110,120, A>G. VCF-style: chr7-92110120-A-G. GRCh37 (hg19) VCF-style: chr7-91739434-A-G.
Other names: c.11663-2A>G (NM_147185.3); c.6332-2A>G (NM_001379277.1).
Identifiers: ClinVar variation 1346001 (VCV001346001.9), dbSNP rs1176473354, ClinGen allele CA368166159.